The following is an entry in ClinVar:

ClinVar aggregate classification (germline): Uncertain significance (1 of 4 stars; one submission).

Conditions:
Ataxia-telangiectasia syndrome (AT). Also called: Ataxia-telangiectasia, complementation group D; AT, COMPLEMENTATION GROUP C; ATAXIA-TELANGIECTASIA, COMPLEMENTATION GROUP A; ATAXIA-TELANGIECTASIA, FRESNO VARIANT; Ataxia-telangiectasia; Ataxia telangiectasia (A-T). Identifiers: Orphanet 100, MedGen C0004135, MONDO:0008840, OMIM 208900.

Submission:

Labcorp Genetics (formerly Invitae), Labcorp
Classification: Uncertain significance for Ataxia-telangiectasia syndrome. Last evaluated: 2025-04-28. Review status: criteria provided, single submitter. Criteria: Invitae Variant Classification Sherloc (09022015). Collection method: clinical testing. Allele origin: germline.
Comment: This sequence change replaces aspartic acid, which is acidic and polar, with asparagine, which is neutral and polar, at codon 2249 of the ATM protein (p.Asp2249Asn). This variant is not present in population databases (gnomAD no frequency). This variant has not been reported in the literature in individuals affected with ATM-related conditions. ClinVar contains an entry for this variant (Variation ID: 945636). Invitae Evidence Modeling of protein sequence and biophysical properties (such as structural, functional, and spatial information, amino acid conservation, physicochemical variation, residue mobility, and thermodynamic stability) indicates that this missense variant is not expected to disrupt ATM protein function with a negative predictive value of 95%. In summary, the available evidence is currently insufficient to determine the role of this variant in disease. Therefore, it has been classified as a Variant of Uncertain Significance.

NM_000051.4(ATM):c.6745G>A (p.Asp2249Asn)

Genes: ATM (ATM serine/threonine kinase; plus strand), C11orf65 (chromosome 11 open reading frame 65; minus strand). Cytogenetic location: 11q22.3.
Variant type: single nucleotide variant.
Coding change: c.6745G>A on transcript NM_000051.4 (MANE Select); coding-DNA position 6745, G replaced by A.
Protein change: p.Asp2249Asn; replaces aspartic acid 2249 with asparagine.
Molecular consequence: missense variant. On other transcripts: intron variant (2).
Genome position (GRCh38, 1-based): chr11:108,325,482, G>A. VCF-style: chr11-108325482-G-A. GRCh37 (hg19) VCF-style: chr11-108196209-G-A.
Other names: c.6745G>A, p.Asp2249Asn (NM_001351834.2); c.641-16411C>T (NM_001330368.2); c.*38+9738C>T (NM_001351110.2); short protein forms D2249N.
Identifiers: ClinVar variation 945636 (VCV000945636.8), dbSNP rs1555119235, ClinGen allele CA382555209.